The following is an entry in ClinVar:

ClinVar aggregate classification (germline): Likely benign (0 of 4 stars; one submission).

Conditions:
RBM12-related disorder. Also called: RBM12-related condition.

Allele frequency attached by ClinVar (database versions not stated): gnomAD exomes 0.00003; ExAC 0.00010; ESP Exome Variant Server 0.00038; gnomAD 0.00042.
gnomAD v4.1: 111 of 1,614,044 alleles (0.0069%); highest among the groups gnomAD compares: African/African-American, 0.11%; no homozygotes.

Submission:

PreventionGenetics, part of Exact Sciences
Classification: Likely benign for RBM12-related condition. Last evaluated: 2019-06-20. Review status: no assertion criteria provided. Collection method: clinical testing. Allele origin: germline.
Comment: This variant is classified as likely benign based on ACMG/AMP sequence variant interpretation guidelines (Richards et al. 2015 PMID: 25741868, with internal and published modifications).

NM_006047.6(RBM12):c.213A>G (p.Leu71=)

Genes: CPNE1 (copine 1; minus strand), RBM12 (RNA binding motif protein 12; minus strand). Cytogenetic location: 20q11.22.
Variant type: single nucleotide variant.
Coding change: c.213A>G on transcript NM_006047.6 (MANE Select); coding-DNA position 213, A replaced by G.
Protein change: p.Leu71=; no amino-acid change (leucine 71 retained).
Molecular consequence: synonymous variant. On other transcripts: intron variant (5).
Genome position (GRCh38, 1-based): chr20:35,655,110, T>C on the plus strand (A>G on the coding strand, the complement: RBM12 is on the minus strand). VCF-style: chr20-35655110-T-C. GRCh37 (hg19) VCF-style: chr20-34243032-T-C.
Other names: c.213A>G, p.Leu71= (NM_001198838.2, NM_001198840.2, NM_152838.4); c.-1+9692A>G (NM_001198863.2, NM_152926.3); c.-1+9650A>G (NM_152925.3); c.-1+3820A>G (NM_152928.3, NM_152927.3).
Identifiers: ClinVar variation 3034426 (VCV003034426.2), dbSNP rs139357358, ClinGen allele CA9836912.